The following is an entry in ClinVar:

ClinVar aggregate classification (germline): Uncertain significance. Review status: criteria provided, multiple submitters, no conflicts (2 of 4 stars). 3 submissions from 3 submitters: Uncertain significance (3). Last evaluated 2023-11-03.

Conditions:
Hereditary cancer-predisposing syndrome. Also called: Tumor predisposition; Hereditary Cancer Syndrome; Hereditary neoplastic syndrome; Neoplastic Syndromes, Hereditary. Identifiers: Orphanet 140162, MedGen C0027672, MeSH D009386, MONDO:0015356.
Familial cancer of breast. Also called: BREAST CANCER, FAMILIAL; hereditary breast carcinoma; Hereditary breast cancer. Identifiers: Orphanet 227535, MedGen C0346153, MONDO:0016419, OMIM 114480. Disease mechanism: loss of function.
Fanconi anemia complementation group J. Also called: BRIP1-Related Fanconi Anemia. Identifiers: Orphanet 84, MedGen C1836860, MONDO:0012187, OMIM 609054.

Allele frequency attached by ClinVar (database versions not stated): TOPMed below 0.00001.

Submissions (3):

Ambry Genetics
Classification: Uncertain significance for Hereditary cancer-predisposing syndrome. Last evaluated: 2023-11-03. Review status: criteria provided, single submitter. Criteria: Ambry Variant Classification Scheme 2023. Collection method: clinical testing. Allele origin: germline.
Comment: The p.K1146E variant (also known as c.3436A>G), located in coding exon 19 of the BRIP1 gene, results from an A to G substitution at nucleotide position 3436. The lysine at codon 1146 is replaced by glutamic acid, an amino acid with similar properties. This amino acid position is not well conserved in available vertebrate species. In addition, this alteration is predicted to be tolerated by in silico analysis. Since supporting evidence is limited at this time, the clinical significance of this alteration remains unclear.

Baylor Genetics
Classification: Uncertain significance for Familial cancer of breast. Last evaluated: 2023-10-10. Review status: criteria provided, single submitter. Criteria: ACMG Guidelines, 2015. Collection method: clinical testing. Allele origin: unknown.

Labcorp Genetics (formerly Invitae), Labcorp
Classification: Uncertain significance for Familial cancer of breast; Fanconi anemia complementation group J. Last evaluated: 2021-09-01. Review status: criteria provided, single submitter. Criteria: Invitae Variant Classification Sherloc (09022015). Collection method: clinical testing. Allele origin: germline.
Comment: This sequence change replaces lysine with glutamic acid at codon 1146 of the BRIP1 protein (p.Lys1146Glu). The lysine residue is weakly conserved and there is a small physicochemical difference between lysine and glutamic acid. This variant is not present in population databases (ExAC no frequency). This variant has not been reported in the literature in individuals affected with BRIP1-related conditions. ClinVar contains an entry for this variant (Variation ID: 185524). Algorithms developed to predict the effect of missense changes on protein structure and function output the following: SIFT: "Tolerated"; PolyPhen-2: "Benign"; Align-GVGD: "Class C0". The glutamic acid amino acid residue is found in multiple mammalian species, which suggests that this missense change does not adversely affect protein function. In summary, the available evidence is currently insufficient to determine the role of this variant in disease. Therefore, it has been classified as a Variant of Uncertain Significance.

NM_032043.3(BRIP1):c.3436A>G (p.Lys1146Glu)

Gene: BRIP1 (BRCA1 interacting DNA helicase 1; minus strand). Cytogenetic location: 17q23.2.
Variant type: single nucleotide variant.
Coding change: c.3436A>G on transcript NM_032043.3 (MANE Select); coding-DNA position 3436, A replaced by G.
Protein change: p.Lys1146Glu; replaces lysine 1146 with glutamic acid.
Molecular consequence: missense variant.
Genome position (GRCh38, 1-based): chr17:61,683,610, T>C on the plus strand (A>G on the coding strand, the complement: BRIP1 is on the minus strand). VCF-style: chr17-61683610-T-C. GRCh37 (hg19) VCF-style: chr17-59760971-T-C.
Other names: short protein forms K1146E.
Identifiers: ClinVar variation 185524 (VCV000185524.14), dbSNP rs786202247, ClinGen allele CA192182.